The following is an entry in ClinVar:

NM_173660.5(DOK7):c.881C>T (p.Thr294Met)

Gene: DOK7 (docking protein 7; plus strand). Cytogenetic location: 4p16.3.
Variant type: single nucleotide variant.
Coding change: c.881C>T on transcript NM_173660.5 (MANE Select); coding-DNA position 881, C replaced by T.
Protein change: p.Thr294Met; replaces threonine 294 with methionine.
Molecular consequence: missense variant. On other transcripts: 3 prime UTR variant (1), 5 prime UTR variant (1).
Genome position (GRCh38, 1-based): chr4:3,492,867, C>T. VCF-style: chr4-3492867-C-T. GRCh37 (hg19) VCF-style: chr4-3494594-C-T.
Other names: c.*102C>T (NM_001164673.2); c.-50C>T (NM_001256896.2); c.881C>T, p.Thr294Met (NM_001301071.2); c.449C>T, p.Thr150Met (NM_001363811.2); c.881C>T (NM_173660.4); short protein forms T150M, T294M.
Identifiers: ClinVar variation 1988046 (VCV001988046.5), dbSNP rs151079259, ClinGen allele CA2829270.

ClinVar aggregate classification (germline): Uncertain significance. Review status: criteria provided, multiple submitters, no conflicts (2 of 4 stars). 3 submissions from 3 submitters: Uncertain significance (3). Last evaluated 2024-12-24.

Conditions:
Fetal akinesia deformation sequence 1 (FADS1). Also called: Pena-Shokeir syndrome type I; Fetal akinesia sequence. Identifiers: Orphanet 994, MedGen C1276035, MONDO:0100101, OMIM 208150, HP:0001989.
Congenital myasthenic syndrome 10. Also called: Myasthenia, limb-girdle, familial. Identifiers: Orphanet 590, MedGen C1850792, MONDO:0009690, OMIM 254300.
Inborn genetic diseases. Identifiers: MedGen C0950123, MeSH D030342.

Allele frequency attached by ClinVar (database versions not stated): ESP Exome Variant Server 0.00008; gnomAD 0.00009; ExAC 0.00010.

Submissions (3):

Ambry Genetics
Classification: Uncertain significance for Inborn genetic diseases. Last evaluated: 2024-12-24. Review status: criteria provided, single submitter. Criteria: Ambry Variant Classification Scheme 2023. Collection method: clinical testing. Allele origin: germline.

Labcorp Genetics (formerly Invitae), Labcorp
Classification: Uncertain significance for Congenital myasthenic syndrome 10; Fetal akinesia deformation sequence 1. Last evaluated: 2022-07-27. Review status: criteria provided, single submitter. Criteria: Invitae Variant Classification Sherloc (09022015). Collection method: clinical testing. Allele origin: germline.
Comment: This sequence change replaces threonine, which is neutral and polar, with methionine, which is neutral and non-polar, at codon 294 of the DOK7 protein (p.Thr294Met). This variant is present in population databases (rs151079259, gnomAD 0.02%). This variant has not been reported in the literature in individuals affected with DOK7-related conditions. Algorithms developed to predict the effect of missense changes on protein structure and function output the following: SIFT: "Deleterious"; PolyPhen-2: "Benign"; Align-GVGD: "Class C0". The methionine amino acid residue is found in multiple mammalian species, which suggests that this missense change does not adversely affect protein function. In summary, the available evidence is currently insufficient to determine the role of this variant in disease. Therefore, it has been classified as a Variant of Uncertain Significance.

Revvity Omics, Revvity
Classification: Uncertain significance. Last evaluated: 2019-05-02. Review status: criteria provided, single submitter. Criteria: ACMG Guidelines, 2015. Collection method: clinical testing. Allele origin: germline.